The following is an entry in ClinVar:

ClinVar aggregate classification (germline): Uncertain significance (1 of 4 stars; one submission).

Allele frequency attached by ClinVar (database versions not stated): gnomAD exomes 0.00001; gnomAD 0.00003; TOPMed 0.00005.
gnomAD v4.1: 13 of 1,553,078 alleles (0.00084%); highest among the groups gnomAD compares: Admixed American, 0.023%; no homozygotes.

Submission:

GeneDx
Classification: Uncertain significance. Last evaluated: 2023-12-17. Review status: criteria provided, single submitter. Criteria: GeneDx Variant Classification Process June 2021. Collection method: clinical testing. Allele origin: germline.
Comment: In silico analysis supports that this missense variant has a deleterious effect on protein structure/function; Has not been previously published as pathogenic or benign to our knowledge

NM_012205.3(HAAO):c.383T>C (p.Phe128Ser)

Gene: HAAO (3-hydroxyanthranilate 3,4-dioxygenase; minus strand). Cytogenetic location: 2p21.
Variant type: single nucleotide variant.
Coding change: c.383T>C on transcript NM_012205.3 (MANE Select); coding-DNA position 383, T replaced by C.
Protein change: p.Phe128Ser; replaces phenylalanine 128 with serine.
Molecular consequence: missense variant.
Genome position (GRCh38, 1-based): chr2:42,770,550, A>G on the plus strand (T>C on the coding strand, the complement: HAAO is on the minus strand). VCF-style: chr2-42770550-A-G. GRCh37 (hg19) VCF-style: chr2-42997690-A-G.
Other names: short protein forms F128S.
Identifiers: ClinVar variation 2503399 (VCV002503399.2), dbSNP rs1291869178, ClinGen allele CA346635805.